The following is an entry in ClinVar:

NM_014049.5(ACAD9):c.1692+285C>T

Genes: ACAD9 (acyl-CoA dehydrogenase family member 9; plus strand), CFAP92 (cilia and flagella associated protein 92 (putative); minus strand). Cytogenetic location: 3q21.3.
Variant type: single nucleotide variant.
Coding change: c.1692+285C>T on transcript NM_014049.5 (MANE Select); 285 bases into the intron after coding-DNA position 1692, C replaced by T.
Molecular consequence: intron variant.
Genome position (GRCh38, 1-based): chr3:128,910,434, C>T. VCF-style: chr3-128910434-C-T. GRCh37 (hg19) VCF-style: chr3-128629277-C-T.
Other names: NC_000003.11:g.128629277C>T; c.1323+285C>T (NM_001410805.1); c.2312-101G>A (NM_001348521.2); c.2408-101G>A (NM_001348520.2); c.3281-101G>A (NM_001394090.1).
Identifiers: ClinVar variation 672593 (VCV000672593.32), dbSNP rs139199002, ClinGen allele CA82540709.

ClinVar aggregate classification (germline): Benign/Likely benign. Review status: criteria provided, multiple submitters, no conflicts (2 of 4 stars). 2 submissions from 2 submitters: Benign (1); Likely benign (1). Last evaluated 2026-08-01.

Allele frequency attached by ClinVar (database versions not stated): 1000 Genomes Project 30x 0.00344; 1000 Genomes Project 0.00399; TOPMed 0.00592; gnomAD 0.00615 and 0.00623; gnomAD exomes 0.00888.
gnomAD v4.1: 10,351 of 1,219,988 alleles (0.85%); highest among the groups gnomAD compares: Non-Finnish European, 1%; 69 homozygotes.

Submissions (5):

CeGaT Center for Human Genetics Tuebingen
Classification: Benign. Last evaluated: 2026-08-01. Review status: criteria provided, single submitter. Criteria: CeGaT Center For Human Genetics Tuebingen Variant Classification Criteria Version 2. Collection method: clinical testing. Allele origin: germline. Affected: yes. Observed: 39 variant alleles.
Comment: ACAD9: BS1, BS2

GeneDx
Classification: Likely benign. Last evaluated: 2018-06-14. Review status: criteria provided, single submitter. Criteria: GeneDx Variant Classification (06012015). Collection method: clinical testing. Allele origin: germline. Affected: yes.
Comment: This variant is considered likely benign or benign based on one or more of the following criteria: it is a conservative change, it occurs at a poorly conserved position in the protein, it is predicted to be benign by multiple in silico algorithms, and/or has population frequency not consistent with disease.

Dr. Peter K. Rogan Lab, Western University
No classification provided (evidence only). Condition: Acute myeloid leukemia. Review status: no classification provided. Collection method: in vitro. Allele origin: not applicable. Functional consequence: retained intron. Not counted in ClinVar's aggregate classification.

Dr. Peter K. Rogan Lab, Western University
No classification provided (evidence only). Condition: Uterine corpus endometrial carcinoma. Review status: no classification provided. Collection method: in vitro. Allele origin: not applicable. Functional consequence: skipped exon. Not counted in ClinVar's aggregate classification.

Dr. Peter K. Rogan Lab, Western University
No classification provided (evidence only). Condition: Sarcoma. Review status: no classification provided. Collection method: in vitro. Allele origin: not applicable. Functional consequence: retained intron. Not counted in ClinVar's aggregate classification.